The following is an entry in ClinVar:

ClinVar aggregate classification (germline): Conflicting classifications of pathogenicity. Review status: criteria provided, conflicting classifications (1 of 4 stars). 14 submissions from 11 submitters: Uncertain significance (8); Benign (1); Likely benign (4). 1 of the submissions does not count toward it. Last evaluated 2026-01-27.

Conditions:
ABCC8-related disorder.
Diabetes mellitus, permanent neonatal 3. Also called: ABCC8-Related Permanent Neonatal Diabetes Mellitus. Identifiers: MedGen C5394303, MONDO:0030088, OMIM 618857.
Leucine-induced hypoglycemia (LIH). Also called: LEUCINE-SENSITIVE HYPOGLYCEMIA OF INFANCY. Identifiers: MedGen C0271714, MONDO:0009415, OMIM 240800.
Hyperinsulinemic hypoglycemia, familial, 1 (HHF1). Also called: HYPERINSULINISM, FAMILIAL, WITH PANCREATIC NESIDIOBLASTOSIS; HYPOGLYCEMIA, HYPERINSULINEMIC, OF INFANCY; Persistent hyperinsulinemic hypoglycemia of infancy; NESIDIOBLASTOSIS OF PANCREAS; Persistent Hyperinsulinemia Hypoglycemia of Infancy. Identifiers: Orphanet 276575, Orphanet 276598, MedGen C2931832, MONDO:0009734, OMIM 256450.
Type 2 diabetes mellitus. Also called: Type II diabetes mellitus. Identifiers: MedGen C0011860, MeSH D003924, MONDO:0005148, OMIM 125853, HP:0005978.
Diabetes mellitus, transient neonatal, 2 (TNDM2). Identifiers: Orphanet 99886, MedGen C1835887, MONDO:0012480, OMIM 610374. Disease mechanism: loss of function.
Hereditary hyperinsulinism.
Permanent neonatal diabetes mellitus (PNDM). Identifiers: Orphanet 99885, MedGen C1833104, MONDO:0100164, MONDO:0011643. Disease mechanism: gain of function.
Pulmonary arterial hypertension. Identifiers: Orphanet 182090, MedGen C2973725, MeSH D000081029, MONDO:0015924, HP:0002092.

Allele frequency attached by ClinVar (database versions not stated): ESP Exome Variant Server 0.00039; TOPMed 0.00065; gnomAD 0.00070 and 0.00072; 1000 Genomes Project 30x 0.00078; 1000 Genomes Project 0.00080.
gnomAD v4.1: 1,307 of 1,613,880 alleles (0.081%); highest among the groups gnomAD compares: Non-Finnish European, 0.1%; 2 homozygotes.

Submissions (14):

Labcorp Genetics (formerly Invitae), Labcorp
Classification: Likely benign. Last evaluated: 2026-01-27. Review status: criteria provided, single submitter. Criteria: Invitae Variant Classification Sherloc (09022015). Collection method: clinical testing. Allele origin: germline.

Women's Health and Genetics/Laboratory Corporation of America, LabCorp
Classification: Uncertain significance. Last evaluated: 2025-12-15. Review status: criteria provided, single submitter. Criteria: LabCorp Variant Classification Summary - May 2015. Collection method: clinical testing. Allele origin: germline.
Comment: Variant summary: ABCC8 c.2176G>A (p.Ala726Thr) results in a non-conservative amino acid change located in the ABC transporter-like, ATP-binding domain of the encoded protein sequence. Algorithms developed to predict the effect of missense changes on protein structure and function are either unavailable or do not agree on the potential impact of this missense change. The variant allele was found at a frequency of 0.00045 in 251224 control chromosomes. This frequency is not significantly higher than estimated for disease-causing variants in ABCC8, allowing no conclusion about variant significance. c.2176G>A has been reported in individuals affected with Familial Hyperinsulinism or pulmonary arterial hypertension. These report(s) do not provide unequivocal conclusions about association of the variant with Familial Hyperinsulinism. To our knowledge, no experimental evidence demonstrating an impact on protein function has been reported. The following publications have been ascertained in the context of this evaluation (PMID: 21378087, 24401662, 32934261). ClinVar contains an entry for this variant (Variation ID: 434050). Based on the evidence outlined above, the variant was classified as uncertain significance.

PreventionGenetics, part of Exact Sciences
Classification: Uncertain significance for ABCC8-related condition. Last evaluated: 2025-12-11. Review status: criteria provided, single submitter. Criteria: ACMG Guidelines, 2015. Collection method: clinical testing. Allele origin: germline.
Comment: The ABCC8 c.2176G>A variant is predicted to result in the amino acid substitution p.Ala726Thr. This variant has been reported in individuals with congenital hyperinsulinism, but its pathogenicity has not been fully established (Banerjee et al. 2011. PubMed ID: 21378087; Mohnike et al. 2014. PubMed ID: 24401662; Güven et al. 2015. PubMed ID: 26758964). It has also been reported in an individual with pulmonary arterial hypertension (Lago-Docampo et al. 2020. PubMed ID: 32934261) and in an individual with type 1 diabetes (Table S2, Brissova et al. 2018. PubMed ID: 29514095). This variant is reported in 0.078% of alleles in individuals of European (non-Finnish) descent in gnomAD v2. However, in gnomAD v4 (available only on GRCh38), this variant is reported in 0.103% of alleles in the European (non-Finnish) subpopulation, including two homozygous individuals. This population data may indicate it is too common to be a primary cause of disease. Although we suspect this variant may be benign, at this time, the clinical significance of this variant is uncertain due to the absence of conclusive functional and genetic evidence.

GeneDx
Classification: Uncertain significance. Last evaluated: 2025-09-18. Review status: criteria provided, single submitter. Criteria: GeneDx Variant Classification Process June 2021. Collection method: clinical testing. Allele origin: germline. Affected: yes.
Comment: Identified in additional patients with congenital hyperinsulinism, however, a second ABCC8 variant was not identified (PMID: 21378087, 23345197, 24401662); In silico analysis suggests that this missense variant does not alter protein structure/function; This variant is associated with the following publications: (PMID: 32934261, 24401662, 23345197, 32027066, 21378087, 26758964)

Blueprint Genetics
Classification: Likely benign. Last evaluated: 2024-11-26. Review status: criteria provided, single submitter. Criteria: ACMG Guidelines, 2015. Collection method: clinical testing. Allele origin: germline.

Fulgent Genetics
Classification: Likely benign for Type 2 diabetes mellitus; Leucine-induced hypoglycemia; Hyperinsulinemic hypoglycemia, familial, 1; Diabetes mellitus, transient neonatal, 2; Diabetes mellitus, permanent neonatal 3. Last evaluated: 2024-03-19. Review status: criteria provided, single submitter. Criteria: ACMG Guidelines, 2015. Collection method: clinical testing. Allele origin: germline.

Department of Pathology and Laboratory Medicine, Sinai Health System
Classification: Uncertain significance for pulmonary arterial hypertension. Last evaluated: 2022-09-20. Review status: criteria provided, single submitter. Criteria: ACMG Guidelines, 2015. Collection method: research. Allele origin: germline.

Myriad Genetics, Inc.
Classification: Uncertain significance for Hyperinsulinemic hypoglycemia, familial, 1. Last evaluated: 2021-11-19. Review status: criteria provided, single submitter. Criteria: Myriad Women's Health Autosomal Recessive and X-Linked Classification Criteria (2021). Collection method: clinical testing. Allele origin: unknown.
Comment: NM_000352.3(ABCC8):c.2176G>A(A726T) is a missense variant classified as a variant of uncertain significance in the context of familial hyperinsulinism, ABCC8-related. A726T has been observed in cases with relevant disease (PMID: 23345197, 24401662, 26758964). Functional assessments of this variant are not available in the literature. A726T has been observed in population frequency databases (gnomAD: NFE 0.08%). In summary, there is insufficient evidence to classify NM_000352.3(ABCC8):c.2176G>A(A726T) as pathogenic or benign. Please note: this variant was assessed in the context of healthy population screening.

Genetic Services Laboratory, University of Chicago
Classification: Likely benign. Last evaluated: 2021-06-01. Review status: criteria provided, single submitter. Criteria: ACMG Guidelines, 2015. Collection method: clinical testing. Allele origin: germline. Affected: no.

Fulgent Genetics
Classification: Uncertain significance for Type 2 diabetes mellitus; Leucine-induced hypoglycemia; Hyperinsulinemic hypoglycemia, familial, 1; Permanent neonatal diabetes mellitus 1; Diabetes mellitus, transient neonatal, 2. Last evaluated: 2018-10-31. Review status: criteria provided, single submitter. Criteria: ACMG Guidelines, 2015. Collection method: clinical testing. Allele origin: unknown.

Illumina Laboratory Services, Illumina
Classification: Benign for Diabetes mellitus, transient neonatal, 2. Last evaluated: 2017-08-31. Review status: criteria provided, single submitter. Criteria: ICSL Variant Classification Criteria 13 December 2019. Collection method: clinical testing. Allele origin: germline.
Comment: This variant was observed as part of a predisposition screen in an ostensibly healthy population. A literature search was performed for the gene, cDNA change, and amino acid change (where applicable). No publications were found based on this search. Allele frequency data from public databases was too high to be consistent with this variant causing disease. Therefore, this variant is classified as benign.

Illumina Laboratory Services, Illumina
Classification: Uncertain significance for Permanent neonatal diabetes mellitus 1. Last evaluated: 2017-08-31. Review status: criteria provided, single submitter. Criteria: ICSL Variant Classification Criteria 13 December 2019. Collection method: clinical testing. Allele origin: germline.

Illumina Laboratory Services, Illumina
Classification: Uncertain significance for Hyperinsulinemic hypoglycemia, familial, 1. Last evaluated: 2017-08-31. Review status: criteria provided, single submitter. Criteria: ICSL Variant Classification Criteria 13 December 2019. Collection method: clinical testing. Allele origin: germline.
Comment: This variant was observed as part of a predisposition screen in an ostensibly healthy population. A literature search was performed for the gene, cDNA change, and amino acid change (where applicable). Publications were found based on this search. However, the evidence from the literature, in combination with allele frequency data from public databases where available, was not sufficient to rule this variant in or out of causing disease. Therefore, this variant is classified as a variant of unknown significance.

Natera, Inc.
Classification: Uncertain significance for Hereditary hyperinsulinism. Last evaluated: 2020-10-21. Review status: no assertion criteria provided. Collection method: clinical testing. Allele origin: germline. Not counted in ClinVar's aggregate classification.

Literature cited by the submitters: PubMed 21378087 (cited by Women's Health and Genetics/Laboratory Corporation of America, LabCorp and Illumina Laboratory Services, Illumina); PubMed 24401662 (cited by 3 submitters); PubMed 32934261 (cited by Women's Health and Genetics/Laboratory Corporation of America, LabCorp); PubMed 26758964 (cited by Myriad Genetics, Inc. and Illumina Laboratory Services, Illumina); PubMed 23345197 (cited by Myriad Genetics, Inc.).

NM_000352.6(ABCC8):c.2176G>A (p.Ala726Thr)

Gene: ABCC8 (ATP binding cassette subfamily C member 8; minus strand). Cytogenetic location: 11p15.1.
Variant type: single nucleotide variant.
Coding change: c.2176G>A on transcript NM_000352.6 (MANE Select); coding-DNA position 2176, G replaced by A.
Protein change: p.Ala726Thr; replaces alanine 726 with threonine.
Molecular consequence: missense variant. On other transcripts: non-coding transcript variant (1).
Genome position (GRCh38, 1-based): chr11:17,427,095, C>T on the plus strand (G>A on the coding strand, the complement: ABCC8 is on the minus strand). VCF-style: chr11-17427095-C-T. GRCh37 (hg19) VCF-style: chr11-17448642-C-T.
Other names: c.2176G>A, p.Ala726Thr (NM_001287174.3); c.2242G>A, p.Ala748Thr (NM_001351295.2); c.2173G>A, p.Ala725Thr (NM_001351296.2, NM_001351297.2); short protein forms A726T, A725T, A748T.
Identifiers: ClinVar variation 434050 (VCV000434050.43), dbSNP rs138687850, ClinGen allele CA5903282.
Genomic context (GRCh38, chr11:17,427,095, plus strand): 5'-GATACATGTATTACCTGCTCCAGAAGACAGCCCCTGAGACCTTCTGCATCTCCCCCAGTG[C>T]GGCTAGAAGGAGCGAGGACTTGCCGCAGCCCACCTGCCCCACGATCATAGTCAGCTGGCC-3'
Protein context (NP_000343.2, residues 716-736): GCGKSSLLLA[Ala726Thr]LGEMQKVSGA